The following is an entry in ClinVar:

NM_007294.4(BRCA1):c.2438_2439dup (p.Leu814fs)

Gene: BRCA1 (BRCA1 DNA repair associated; minus strand). Cytogenetic location: 17q21.31.
Variant type: Duplication.
Coding change: c.2438_2439dup on transcript NM_007294.4 (MANE Select); coding-DNA positions 2438 to 2439, 2 bases duplicated (GA; older notation c.2438_2439dupGA).
Protein change: p.Leu814fs; shifts the reading frame from leucine 814.
Molecular consequence: frameshift variant. On other transcripts: intron variant (137).
Genome position (GRCh38, 1-based): chr17:43,093,092-43,093,093, TC duplicated on the plus strand (GA on the coding strand, the reverse complement: BRCA1 is on the minus strand). VCF-style (leftmost placement, unchanged base first): chr17-43093091-G-GTC. GRCh37 (hg19) VCF-style: chr17-41245108-G-GTC.
Other names: c.2225_2226dup, p.Leu743fs (NM_001407571.1, NM_001407853.1, NM_001407894.1 and 9 more transcripts); c.2438_2439dup, p.Leu814fs (NM_001407581.1, NM_001407582.1, NM_001407583.1 and 30 more transcripts); c.2435_2436dup, p.Leu813fs (NM_001407587.1, NM_001407590.1, NM_001407591.1 and 22 more transcripts); c.2429_2430dup, p.Leu811fs (NM_001407646.1, NM_001407647.1); c.2315_2316dup, p.Leu773fs (NM_001407648.1, NM_001407664.1, NM_001407665.1 and 19 more transcripts); c.2312_2313dup, p.Leu772fs (NM_001407649.1, NM_001407670.1, NM_001407671.1 and 11 more transcripts); c.2360_2361dup, p.Leu788fs (NM_001407653.1, NM_001407654.1, NM_001407655.1 and 4 more transcripts); c.2357_2358dup, p.Leu787fs (NM_001407659.1, NM_001407660.1, NM_001407661.1 and 1 more transcripts); and 41 more; short protein forms L814fs, L767fs, L518fs, L686fs, L687fs, L725fs, L744fs, L813fs.
Identifiers: ClinVar variation 2108902 (VCV002108902.4), dbSNP rs2552188577, ClinGen allele CA2580094033.

ClinVar aggregate classification (germline): Pathogenic (1 of 4 stars; one submission).

Conditions:
Hereditary breast ovarian cancer syndrome. Also called: Hereditary breast and ovarian cancer syndrome; BRCA1- and BRCA2-Associated Hereditary Breast and Ovarian Cancer; Hereditary breast and ovarian cancer; Hereditary breast and/or ovarian cancer syndrome; Hereditary breast and ovarian cancer syndrome (HBOC); Breast and ovarian cancer. Identifiers: Orphanet 145, MedGen C0677776, MeSH D061325, MONDO:0003582. Disease mechanism: loss of function.

Submission:

Labcorp Genetics (formerly Invitae), Labcorp
Classification: Pathogenic for Hereditary breast ovarian cancer syndrome. Last evaluated: 2022-06-08. Review status: criteria provided, single submitter. Criteria: Invitae Variant Classification Sherloc (09022015). Collection method: clinical testing. Allele origin: germline.
Comment: This sequence change creates a premature translational stop signal (p.Leu814Aspfs*2) in the BRCA1 gene. It is expected to result in an absent or disrupted protein product. Loss-of-function variants in BRCA1 are known to be pathogenic (PMID: 20104584). This variant is not present in population databases (gnomAD no frequency). This variant has not been reported in the literature in individuals affected with BRCA1-related conditions. For these reasons, this variant has been classified as Pathogenic.

Literature cited by the submitters: PubMed 20104584.